The following is an entry in ClinVar:

NM_000557.5(GDF5):c.1052G>A (p.Arg351Gln)

Genes: GDF5 (growth differentiation factor 5; minus strand), GDF5-AS1 (GDF5 antisense RNA 1; plus strand). Cytogenetic location: 20q11.22.
Variant type: single nucleotide variant.
Coding change: c.1052G>A on transcript NM_000557.5 (MANE Select); coding-DNA position 1052, G replaced by A.
Protein change: p.Arg351Gln; replaces arginine 351 with glutamine.
Molecular consequence: missense variant. On other transcripts: non-coding transcript variant (1).
Genome position (GRCh38, 1-based): chr20:35,434,363, C>T on the plus strand (G>A on the coding strand, the complement: GDF5 is on the minus strand). VCF-style: chr20-35434363-C-T. GRCh37 (hg19) VCF-style: chr20-34022161-C-T.
Other names: c.1052G>A, p.Arg351Gln (NM_001319138.2); short protein forms R351Q.
Identifiers: ClinVar variation 3610419 (VCV003610419.1).

ClinVar aggregate classification (germline): Uncertain significance (1 of 4 stars; one submission).

gnomAD v4.1: 2 of 1,613,756 alleles (0.00012%); highest among the groups gnomAD compares: East Asian, 0.0022%; no homozygotes.

Submission:

Labcorp Genetics (formerly Invitae), Labcorp
Classification: Uncertain significance. Last evaluated: 2025-01-06. Review status: criteria provided, single submitter. Criteria: Invitae Variant Classification Sherloc (09022015). Collection method: clinical testing. Allele origin: germline.
Comment: This sequence change replaces arginine, which is basic and polar, with glutamine, which is neutral and polar, at codon 351 of the GDF5 protein (p.Arg351Gln). This variant is present in population databases (rs781264883, gnomAD 0.006%). This variant has not been reported in the literature in individuals affected with GDF5-related conditions. Invitae Evidence Modeling of protein sequence and biophysical properties (such as structural, functional, and spatial information, amino acid conservation, physicochemical variation, residue mobility, and thermodynamic stability) indicates that this missense variant is not expected to disrupt GDF5 protein function with a negative predictive value of 80%. In summary, the available evidence is currently insufficient to determine the role of this variant in disease. Therefore, it has been classified as a Variant of Uncertain Significance.